The following is an entry in ClinVar:

NM_022367.4(SEMA4A):c.2183C>T (p.Ala728Val)

Gene: SEMA4A (semaphorin 4A; plus strand). Cytogenetic location: 1q22.
Variant type: single nucleotide variant.
Coding change: c.2183C>T on transcript NM_022367.4 (MANE Select); coding-DNA position 2183, C replaced by T.
Protein change: p.Ala728Val; replaces alanine 728 with valine.
Molecular consequence: missense variant.
Genome position (GRCh38, 1-based): chr1:156,176,894, C>T. VCF-style: chr1-156176894-C-T. GRCh37 (hg19) VCF-style: chr1-156146685-C-T.
Other names: c.2183C>T, p.Ala728Val (NM_001193300.2, NM_001193301.2, NM_001370567.1); c.1787C>T, p.Ala596Val (NM_001193302.2); c.1886C>T, p.Ala629Val (NM_001370568.1); c.1676C>T, p.Ala559Val (NM_001370569.1, NM_001370571.1); short protein forms A629V, A728V, A559V, A596V.
Identifiers: ClinVar variation 4731567 (VCV004731567.1).

ClinVar aggregate classification (germline): Uncertain significance (1 of 4 stars; one submission).

gnomAD v4.1: 5 of 1,614,122 alleles (0.00031%); highest among the groups gnomAD compares: Non-Finnish European, 0.00042%; no homozygotes.

Submission:

Labcorp Genetics (formerly Invitae), Labcorp
Classification: Uncertain significance. Last evaluated: 2025-11-19. Review status: criteria provided, single submitter. Criteria: Invitae Variant Classification Sherloc (09022015). Collection method: clinical testing. Allele origin: germline.
Comment: This sequence change replaces alanine, which is neutral and non-polar, with valine, which is neutral and non-polar, at codon 728 of the SEMA4A protein (p.Ala728Val). This variant is present in population databases (no rsID available, gnomAD 0.0009%). This variant has not been reported in the literature in individuals affected with SEMA4A-related conditions. An algorithm developed to predict the effect of missense changes on protein structure and function (PolyPhen-2) suggests that this variant is likely to be tolerated. In summary, the available evidence is currently insufficient to determine the role of this variant in disease. Therefore, it has been classified as a Variant of Uncertain Significance.